The following is an entry in ClinVar:

NM_001204.7(BMPR2):c.2561A>G (p.Glu854Gly)

Gene: BMPR2 (bone morphogenetic protein receptor type 2; plus strand). Cytogenetic location: 2q33.2.
Variant type: single nucleotide variant.
Coding change: c.2561A>G on transcript NM_001204.7 (MANE Select); coding-DNA position 2561, A replaced by G.
Protein change: p.Glu854Gly; replaces glutamic acid 854 with glycine.
Molecular consequence: missense variant.
Genome position (GRCh38, 1-based): chr2:202,556,226, A>G. VCF-style: chr2-202556226-A-G. GRCh37 (hg19) VCF-style: chr2-203420949-A-G.
Other names: short protein forms E854G.
Identifiers: ClinVar variation 4824908 (VCV004824908.1).

ClinVar aggregate classification (germline): Uncertain significance (1 of 4 stars; one submission).

Conditions:
Inborn genetic diseases. Identifiers: MedGen C0950123, MeSH D030342.

Submission:

Ambry Genetics
Classification: Uncertain significance for Inborn genetic diseases. Last evaluated: 2026-01-18. Review status: criteria provided, single submitter. Criteria: Ambry Variant Classification Scheme 2023. Collection method: clinical testing. Allele origin: germline.
Comment: The p.E854G variant (also known as c.2561A>G), located in coding exon 12 of the BMPR2 gene, results from an A to G substitution at nucleotide position 2561. The glutamic acid at codon 854 is replaced by glycine, an amino acid with similar properties. This amino acid position is conserved. In addition, the in silico prediction for this alteration is inconclusive. Based on the available evidence, the clinical significance of this variant remains unclear.